The following is an entry in ClinVar:

ClinVar aggregate classification (germline): Likely benign (0 of 4 stars; one submission).

Conditions:
PDE1C-related disorder. Also called: PDE1C-related condition.

gnomAD v4.1: 186 of 1,614,046 alleles (0.012%); highest among the groups gnomAD compares: African/African-American, 0.19%; 1 homozygote.

Submission:

PreventionGenetics, part of Exact Sciences
Classification: Likely benign for PDE1C-related condition. Last evaluated: 2024-07-15. Review status: no assertion criteria provided. Collection method: clinical testing. Allele origin: germline.
Comment: This variant is classified as likely benign based on ACMG/AMP sequence variant interpretation guidelines (Richards et al. 2015 PMID: 25741868, with internal and published modifications).

NM_001191057.4(PDE1C):c.1714A>T (p.Thr572Ser)

Gene: PDE1C (phosphodiesterase 1C; minus strand). Cytogenetic location: 7p14.3.
Variant type: single nucleotide variant.
Coding change: c.1714A>T on transcript NM_001191057.4 (MANE Select); coding-DNA position 1714, A replaced by T.
Protein change: p.Thr572Ser; replaces threonine 572 with serine.
Molecular consequence: missense variant.
Genome position (GRCh38, 1-based): chr7:31,816,023, T>A on the plus strand (A>T on the coding strand, the complement: PDE1C is on the minus strand). VCF-style: chr7-31816023-T-A. GRCh37 (hg19) VCF-style: chr7-31855637-T-A.
Other names: c.1714A>T, p.Thr572Ser (NM_001191056.3, NM_001191059.4, NM_001322055.2 and 3 more transcripts); c.1894A>T, p.Thr632Ser (NM_001191058.4, NM_001322058.2); c.2119A>T, p.Thr707Ser (NM_001322059.2); short protein forms T572S, T632S, T707S.
Identifiers: ClinVar variation 3352151 (VCV003352151.1).